The following is an entry in ClinVar:

NM_001004334.4(GPR179):c.1622G>A (p.Arg541His)

Gene: GPR179 (G protein-coupled receptor 179; minus strand). Cytogenetic location: 17q12.
Variant type: single nucleotide variant.
Coding change: c.1622G>A on transcript NM_001004334.4 (MANE Select); coding-DNA position 1622, G replaced by A.
Protein change: p.Arg541His; replaces arginine 541 with histidine.
Molecular consequence: missense variant.
Genome position (GRCh38, 1-based): chr17:38,335,056, C>T on the plus strand (G>A on the coding strand, the complement: GPR179 is on the minus strand). VCF-style: chr17-38335056-C-T. GRCh37 (hg19) VCF-style: chr17-36490939-C-T.
Other names: c.1622G>A (NM_001004334.2); short protein forms R541H.
Identifiers: ClinVar variation 1001504 (VCV001001504.8), dbSNP rs372112783, ClinGen allele CA290108616.

ClinVar aggregate classification (germline): Uncertain significance. Review status: criteria provided, multiple submitters, no conflicts (2 of 4 stars). 3 submissions from 3 submitters: Uncertain significance (3). Last evaluated 2025-10-31.

Conditions:
Inborn genetic diseases. Identifiers: MedGen C0950123, MeSH D030342.

Allele frequency attached by ClinVar (database versions not stated): TOPMed 0.00002; gnomAD exomes 0.00004; ESP Exome Variant Server 0.00008.

Submissions (3):

Labcorp Genetics (formerly Invitae), Labcorp
Classification: Uncertain significance. Last evaluated: 2025-10-31. Review status: criteria provided, single submitter. Criteria: Invitae Variant Classification Sherloc (09022015). Collection method: clinical testing. Allele origin: germline.
Comment: This sequence change replaces arginine, which is basic and polar, with histidine, which is basic and polar, at codon 541 of the GPR179 protein (p.Arg541His). This variant is present in population databases (rs372112783, gnomAD 0.01%). This variant has not been reported in the literature in individuals affected with GPR179-related conditions. ClinVar contains an entry for this variant (Variation ID: 1001504). An algorithm developed to predict the effect of missense changes on protein structure and function outputs the following: PolyPhen-2: "Benign". The histidine amino acid residue is found in multiple mammalian species, which suggests that this missense change does not adversely affect protein function. In summary, the available evidence is currently insufficient to determine the role of this variant in disease. Therefore, it has been classified as a Variant of Uncertain Significance.

Ambry Genetics
Classification: Uncertain significance for Inborn genetic diseases. Last evaluated: 2025-04-11. Review status: criteria provided, single submitter. Criteria: Ambry Variant Classification Scheme 2023. Collection method: clinical testing. Allele origin: germline.

Blueprint Genetics
Classification: Uncertain significance. Last evaluated: 2021-11-19. Review status: criteria provided, single submitter. Criteria: ACMG Guidelines, 2015. Collection method: clinical testing. Allele origin: germline.